The following is an entry in ClinVar:

NM_000124.4(ERCC6):c.*1275C>G

Gene: ERCC6 (ERCC excision repair 6, chromatin remodeling factor; minus strand). Cytogenetic location: 10q11.23.
Variant type: single nucleotide variant.
Coding change: c.*1275C>G on transcript NM_000124.4 (MANE Select); 1275 bases downstream of the stop codon, C replaced by G.
Molecular consequence: 3 prime UTR variant.
Genome position (GRCh38, 1-based): chr10:49,457,540, G>C on the plus strand (C>G on the coding strand, the complement: ERCC6 is on the minus strand). VCF-style: chr10-49457540-G-C. GRCh37 (hg19) VCF-style: chr10-50665586-G-C.
Other names: c.*1275C>G (NM_001346440.2).
Identifiers: ClinVar variation 300015 (VCV000300015.5), dbSNP rs182177140, ClinGen allele CA10635858.

ClinVar aggregate classification (germline): Benign. Review status: criteria provided, single submitter (1 of 4 stars). 3 submissions from 1 submitter: Benign (3). Last evaluated 2018-01-13.

Conditions:
Cerebrooculofacioskeletal syndrome 1 (COFS1). Also called: Cerebro-oculo-facio-skeletal syndrome 1. Identifiers: MedGen C0220722, MONDO:0008955, OMIM 214150.
Age related macular degeneration 5. Identifiers: MedGen C3151063, MONDO:0013409, OMIM 613761.
Cockayne syndrome type 2 (CSB). Also called: Cockayne Syndrome, Type II; COCKAYNE SYNDROME B. Identifiers: Orphanet 191, Orphanet 90322, MedGen C0751038, MONDO:0019570, OMIM 133540.

Allele frequency attached by ClinVar (database versions not stated): gnomAD 0.00423 and 0.00456; TOPMed 0.00505; 1000 Genomes Project 0.00519; 1000 Genomes Project 30x 0.00625.

Submissions (3):

Illumina Laboratory Services, Illumina
Classification: Benign for Cockayne syndrome type 2. Last evaluated: 2018-01-13. Review status: criteria provided, single submitter. Criteria: ICSL Variant Classification Criteria 13 December 2019. Collection method: clinical testing. Allele origin: germline.
Comment: This variant was observed in the ICSL laboratory as part of a predisposition screen in an ostensibly healthy population. It had not been previously curated by ICSL or reported in the Human Gene Mutation Database (HGMD: prior to June 1st, 2018), and was therefore a candidate for classification through an automated scoring system. Utilizing variant allele frequency, disease prevalence and penetrance estimates, and inheritance mode, an automated score was calculated to assess if this variant is too frequent to cause the disease. Based on the score and internal cut-off values, a variant classified as benign is not then subjected to further curation. The score for this variant resulted in a classification of benign for this disease.

Illumina Laboratory Services, Illumina
Classification: Benign for Cerebrooculofacioskeletal syndrome 1. Last evaluated: 2018-01-13. Review status: criteria provided, single submitter. Criteria: ICSL Variant Classification Criteria 13 December 2019. Collection method: clinical testing. Allele origin: germline.
Comment: the same text as in the submission from Illumina Laboratory Services, Illumina above.

Illumina Laboratory Services, Illumina
Classification: Benign for Age related macular degeneration 5. Last evaluated: 2018-01-13. Review status: criteria provided, single submitter. Criteria: ICSL Variant Classification Criteria 13 December 2019. Collection method: clinical testing. Allele origin: germline.
Comment: the same text as in the submission from Illumina Laboratory Services, Illumina above.